The following is an entry in ClinVar:

ClinVar aggregate classification (germline): Likely pathogenic. Review status: criteria provided, multiple submitters, no conflicts (2 of 4 stars). 2 submissions from 2 submitters: Likely pathogenic (2). Last evaluated 2024-07-06.

Conditions:
Cardiovascular phenotype. Identifiers: MedGen CN230736.
Autosomal recessive limb-girdle muscular dystrophy type 2J (LGMDR10). Also called: Limb-girdle muscular dystrophy, type 2J; MUSCULAR DYSTROPHY, LIMB-GIRDLE, AUTOSOMAL RECESSIVE 10. Identifiers: Orphanet 140922, MedGen C1837342, MONDO:0012127, OMIM 608807.
Dilated cardiomyopathy 1G (CMD1G). Identifiers: Orphanet 154, MedGen C1858763, MONDO:0011400, OMIM 604145.

Submissions (2):

Labcorp Genetics (formerly Invitae), Labcorp
Classification: Likely pathogenic for Dilated cardiomyopathy 1G; Autosomal recessive limb-girdle muscular dystrophy type 2J. Last evaluated: 2024-07-06. Review status: criteria provided, single submitter. Criteria: Invitae Variant Classification Sherloc (09022015). Collection method: clinical testing. Allele origin: germline.
Comment: This sequence change creates a premature translational stop signal (p.Gly24659Leufs*3) in the TTN gene. While this is not anticipated to result in nonsense mediated decay, it is expected to create a truncated TTN protein. This variant is not present in population databases (gnomAD no frequency). This variant has not been reported in the literature in individuals affected with TTN-related conditions. This variant is located in the A band of TTN (PMID: 25589632). Truncating variants in this region are significantly overrepresented in patients affected with dilated cardiomyopathy (PMID: 25589632). Truncating variants in this region have also been reported in individuals affected with autosomal recessive centronuclear myopathy (PMID: 23975875). In summary, the currently available evidence indicates that the variant is pathogenic, but additional data are needed to prove that conclusively. Therefore, this variant has been classified as Likely Pathogenic.

Ambry Genetics
Classification: Likely pathogenic for Cardiovascular phenotype. Last evaluated: 2023-09-25. Review status: criteria provided, single submitter. Criteria: Ambry Variant Classification Scheme 2023. Collection method: clinical testing. Allele origin: germline.
Comment: The c.46780_46834del55 variant, located in coding exon 153 of the TTN gene, results from a deletion of 55 nucleotides at nucleotide positions 46780 to 46834, causing a translational frameshift with a predicted alternate stop codon (p.G15594Lfs*3). This exon is located in the A-band region of the N2-B isoform of the titin protein and is constitutively expressed in TTN transcripts (percent spliced in or PSI 100%). This alteration is expected to result in loss of function by premature protein truncation or nonsense-mediated mRNA decay. While truncating variants in TTN are present in 1-3% of the general population, truncating variants in the A-band are the most common cause of dilated cardiomyopathy (DCM) (Herman DS et al. N. Engl. J. Med., 2012 Feb;366:619-28; Roberts AM et al. Sci Transl Med, 2015 Jan;7:270ra6). TTN truncating variants encoded in constitutive exons (PSI >90%) have been found to be significantly associated with DCM regardless of their position in titin (Schafer S et al. Nat. Genet., 2017 01;49:46-53). This variant is considered to be rare based on population cohorts in the Genome Aggregation Database (gnomAD). Based on the majority of available evidence to date, this variant is likely to be pathogenic.

Literature cited by the submitters: PubMed 25589632 (cited by Labcorp Genetics (formerly Invitae), Labcorp); PubMed 23975875 (cited by Labcorp Genetics (formerly Invitae), Labcorp).

NM_001267550.2(TTN):c.73975_74029del (p.Gly24659fs)

Genes: TTN (titin; minus strand), TTN-AS1 (TTN antisense RNA 1; plus strand). Cytogenetic location: 2q31.2.
Variant type: Deletion.
Coding change: c.73975_74029del on transcript NM_001267550.2 (MANE Select); coding-DNA positions 73975 to 74029, 55 bases deleted.
Protein change: p.Gly24659fs; shifts the reading frame from glycine 24659.
Molecular consequence: frameshift variant.
Genome position (GRCh38, 1-based): chr2:178,572,103-178,572,157, 55 bases deleted. GRCh37 (hg19): chr2:179,436,831-179,436,885.
Other names: c.69052_69106del, p.Gly23018fs (NM_001256850.1); c.46780_46834del, p.Gly15594fs (NM_003319.4); c.66271_66325del, p.Gly22091fs (NM_133378.4); c.47155_47209del, p.Gly15719fs (NM_133432.3); c.47356_47410del, p.Gly15786fs (NM_133437.4); c.46780_46834del55 (NM_003319.4); short protein forms G23018fs, G15594fs, G15719fs, G15786fs, G24659fs, G22091fs.
Identifiers: ClinVar variation 2952883 (VCV002952883.4), dbSNP rs2468522858, ClinGen allele CA2740096026.